The following is an entry in ClinVar:

NM_003467.3(CXCR4):c.475G>A (p.Gly159Ser)

Gene: CXCR4 (C-X-C motif chemokine receptor 4; minus strand). Cytogenetic location: 2q22.1.
Variant type: single nucleotide variant.
Coding change: c.475G>A on transcript NM_003467.3 (MANE Select); coding-DNA position 475, G replaced by A.
Protein change: p.Gly159Ser; replaces glycine 159 with serine.
Molecular consequence: missense variant.
Genome position (GRCh38, 1-based): chr2:136,115,453, C>T on the plus strand (G>A on the coding strand, the complement: CXCR4 is on the minus strand). VCF-style: chr2-136115453-C-T. GRCh37 (hg19) VCF-style: chr2-136873023-C-T.
Other names: c.487G>A, p.Gly163Ser (NM_001008540.2); c.688G>A, p.Gly230Ser (NM_001348056.2); c.574G>A, p.Gly192Ser (NM_001348059.2); c.430G>A, p.Gly144Ser (NM_001348060.2); short protein forms G144S, G159S, G163S, G192S, G230S.
Identifiers: ClinVar variation 1337052 (VCV001337052.7), dbSNP rs910532454, ClinGen allele CA348658847.
Genomic context (GRCh38, chr2:136,115,453, plus strand): 5'-CACTGACGTTGGCAAAGATGAAGTCGGGAATAGTCAGCAGGAGGGCAGGGATCCAGACGC[C>T]AACATAGACCACCTTTTCAGCCAACAGCTTCCTTGGCCTCTGACTGTTGGTGGCGTGGAC-3'
Protein context (NP_003458.1, residues 149-169): KLLAEKVVYV[Gly159Ser]VWIPALLLTI

ClinVar aggregate classification (germline): Uncertain significance. Review status: criteria provided, multiple submitters, no conflicts (2 of 4 stars). 2 submissions from 2 submitters: Uncertain significance (2). Last evaluated 2023-02-21.

Conditions:
Warts, hypogammaglobulinemia, infections, and myelokathexis. Also called: WHIM syndrome. Identifiers: MedGen C0472817, MONDO:0023880.

Allele frequency attached by ClinVar (database versions not stated): gnomAD exomes below 0.00001.
gnomAD v4.1: 3 of 1,614,172 alleles (0.00019%); highest among the groups gnomAD compares: Non-Finnish European, 0.00017%; no homozygotes.

Submissions (2):

Labcorp Genetics (formerly Invitae), Labcorp
Classification: Uncertain significance for Warts, hypogammaglobulinemia, infections, and myelokathexis. Last evaluated: 2023-02-21. Review status: criteria provided, single submitter. Criteria: Invitae Variant Classification Sherloc (09022015). Collection method: clinical testing. Allele origin: germline.
Comment: In summary, the available evidence is currently insufficient to determine the role of this variant in disease. Therefore, it has been classified as a Variant of Uncertain Significance. An algorithm developed to predict the effect of missense changes on protein structure and function (PolyPhen-2) suggests that this variant is likely to be disruptive. ClinVar contains an entry for this variant (Variation ID: 1337052). This variant has not been reported in the literature in individuals affected with CXCR4-related conditions. This variant is present in population databases (no rsID available, gnomAD 0.003%). This sequence change replaces glycine, which is neutral and non-polar, with serine, which is neutral and polar, at codon 159 of the CXCR4 protein (p.Gly159Ser).

Genetic Services Laboratory, University of Chicago
Classification: Uncertain significance. Last evaluated: 2019-03-01. Review status: criteria provided, single submitter. Criteria: ACMG Guidelines, 2015. Collection method: clinical testing. Allele origin: germline. Affected: no.